The following is an entry in ClinVar:

ClinVar aggregate classification (germline): Conflicting classifications of pathogenicity. Review status: criteria provided, conflicting classifications (1 of 4 stars). 2 submissions from 2 submitters: Likely pathogenic (1); Uncertain significance (1). Last evaluated 2025-07-02.

Conditions:
Familial hypobetalipoproteinemia 1. Also called: APOB-Related Familial Hypobetalipoproteinemia; Hypobetalipoproteinemia, normotriglyceridemic; Acanthocytosis with hypobetalipoproteinemia. Identifiers: MedGen C4551990, MONDO:0014252, OMIM 615558.
Hypercholesterolemia, autosomal dominant, type B (FHCL2). Also called: Hyperlipoproteinemia Type IIb; Familial Hypercholesterolemia Type B; APOLIPOPROTEIN B-100, FAMILIAL DEFECTIVE; APOLIPOPROTEIN B-100, FAMILIAL LIGAND-DEFECTIVE; Familial hypercholesterolemia 2; HYPERCHOLESTEROLEMIA, FAMILIAL, DUE TO LIGAND-DEFECTIVE APOLIPOPROTEIN B. Identifiers: MedGen C1704417, MONDO:0007751, OMIM 144010.
APOB-related disorder. Also called: APOB-related condition; APOB-related disorders.

gnomAD v4.1: 11 of 1,613,258 alleles (0.00068%); highest among the groups gnomAD compares: East Asian, 0.0045%; no homozygotes.

Submissions (2):

PreventionGenetics, part of Exact Sciences
Classification: Likely pathogenic for APOB-related condition. Last evaluated: 2025-07-02. Review status: criteria provided, single submitter. Criteria: ACMG Guidelines, 2015. Collection method: clinical testing. Allele origin: germline.
Comment: The APOB c.12541G>T variant is predicted to result in premature protein termination (p.Glu4181*). To our knowledge, this variant has not been reported in the literature. This variant is reported in 0.0066% of alleles in individuals of South Asian descent in gnomAD. This variant is located in the last exon of APOB. However, loss of function variants downstream of this variant have been reported in association with hypercholesterolemia (see for example, Di Costanzo et al. 2021. PubMed ID: 34756585, Aloraini et al. 2022. PubMed ID: 34515413). Loss of function variants downstream of this variant have also been reported in association with hypobetalipoproteinaemia (see for example, Rimbert. 2021. PubMed ID: 33207932). This variant is interpreted as likely pathogenic.

Labcorp Genetics (formerly Invitae), Labcorp
Classification: Uncertain significance for Familial hypobetalipoproteinemia 1; Hypercholesterolemia, autosomal dominant, type B. Last evaluated: 2022-10-09. Review status: criteria provided, single submitter. Criteria: Invitae Variant Classification Sherloc (09022015). Collection method: clinical testing. Allele origin: germline.
Comment: This sequence change creates a premature translational stop signal (p.Glu4181*) in the APOB gene. While this is not anticipated to result in nonsense mediated decay, it is expected to disrupt the last 383 amino acid(s) of the APOB protein. This variant is present in population databases (rs1042031, gnomAD 0.007%). This variant has not been reported in the literature in individuals affected with APOB-related conditions. ClinVar contains an entry for this variant (Variation ID: 925123). Experimental studies and prediction algorithms are not available or were not evaluated, and the functional significance of this variant is currently unknown. In summary, the available evidence is currently insufficient to determine the role of this variant in disease. Therefore, it has been classified as a Variant of Uncertain Significance.

NM_000384.3(APOB):c.12541G>T (p.Glu4181Ter)

Gene: APOB (apolipoprotein B; minus strand). Cytogenetic location: 2p24.1.
Variant type: single nucleotide variant.
Coding change: c.12541G>T on transcript NM_000384.3 (MANE Select); coding-DNA position 12541, G replaced by T.
Protein change: p.Glu4181Ter; replaces glutamic acid 4181 with a stop codon.
Molecular consequence: nonsense.
Genome position (GRCh38, 1-based): chr2:21,002,881, C>A on the plus strand (G>T on the coding strand, the complement: APOB is on the minus strand). VCF-style: chr2-21002881-C-A. GRCh37 (hg19) VCF-style: chr2-21225753-C-A.
Other names: short protein forms E4181*.
Identifiers: ClinVar variation 925123 (VCV000925123.5), dbSNP rs1042031, ClinGen allele CA050516.